The following is an entry in ClinVar:

NM_001753.5(CAV1):c.40T>C (p.Tyr14His)

Gene: CAV1 (caveolin 1; plus strand). Cytogenetic location: 7q31.2.
Variant type: single nucleotide variant.
Coding change: c.40T>C on transcript NM_001753.5 (MANE Select); coding-DNA position 40, T replaced by C.
Protein change: p.Tyr14His; replaces tyrosine 14 with histidine.
Molecular consequence: missense variant. On other transcripts: 5 prime UTR variant (3).
Genome position (GRCh38, 1-based): chr7:116,526,534, T>C. VCF-style: chr7-116526534-T-C. GRCh37 (hg19) VCF-style: chr7-116166588-T-C.
Other names: c.-54T>C (NM_001172895.1, NM_001172896.2, NM_001172897.2); short protein forms Y14H.
Identifiers: ClinVar variation 4606251 (VCV004606251.1).

ClinVar aggregate classification (germline): Uncertain significance (1 of 4 stars; one submission).

Conditions:
Inborn genetic diseases. Identifiers: MedGen C0950123, MeSH D030342.

Submission:

Ambry Genetics
Classification: Uncertain significance for Inborn genetic diseases. Last evaluated: 2025-10-14. Review status: criteria provided, single submitter. Criteria: Ambry Variant Classification Scheme 2023. Collection method: clinical testing. Allele origin: germline.
Comment: The p.Y14H variant (also known as c.40T>C), located in coding exon 2 of the CAV1 gene, results from a T to C substitution at nucleotide position 40. The tyrosine at codon 14 is replaced by histidine, an amino acid with similar properties. This amino acid position is conserved. In addition, the in silico prediction for this alteration is inconclusive. Based on the available evidence, the clinical significance of this variant remains unclear.